The following is an entry in ClinVar:

ClinVar aggregate classification (germline): Pathogenic (0 of 4 stars; one submission).

Conditions:
PKD2-related disorder. Also called: PKD2-related condition.

Submission:

PreventionGenetics, part of Exact Sciences
Classification: Pathogenic for PKD2-related condition. Last evaluated: 2024-03-07. Review status: no assertion criteria provided. Collection method: clinical testing. Allele origin: germline.
Comment: The PKD2 c.2770C>T variant is predicted to result in premature protein termination (p.Gln924*). This variant was reported in an individual with intracranial aneurysms without obvious renal disease (Hirota et al. 2016. PubMed ID: 27567292). This variant has not been reported in a large population database, indicating this variant is rare. Nonsense variants in PKD2 are expected to be pathogenic; and, truncating variants upstream and downstream of the p.Gln924 variant have been reported to be causative for polycystic kidney disease (Audrézet et al. 2012. PubMed ID: 22508176). Taken together this variant is interpreted as pathogenic.

NM_000297.4(PKD2):c.2770C>T (p.Gln924Ter)

Gene: PKD2 (polycystin 2, transient receptor potential cation channel; plus strand). Cytogenetic location: 4q22.1.
Variant type: single nucleotide variant.
Coding change: c.2770C>T on transcript NM_000297.4 (MANE Select); coding-DNA position 2770, C replaced by T.
Protein change: p.Gln924Ter; replaces glutamine 924 with a stop codon.
Molecular consequence: nonsense. On other transcripts: non-coding transcript variant (1).
Genome position (GRCh38, 1-based): chr4:88,075,557, C>T. VCF-style: chr4-88075557-C-T. GRCh37 (hg19) VCF-style: chr4-88996709-C-T.
Other names: short protein forms Q924*.
Identifiers: ClinVar variation 2631209 (VCV002631209.3), dbSNP rs2476011688, ClinGen allele CA357628601.
Genomic context (GRCh38, chr4:88,075,557, plus strand): 5'-CAGATGGAACGGCTAGTACGTGAAGAGTTGGAACGCTGGGAATCCGATGATGCAGCTTCC[C>T]AGATCAGTCATGGTTTAGGCACGCCAGTGGGACTAAATGGTCAACCTCGCCCCAGAAGCT-3'